The following is an entry in ClinVar:

ClinVar aggregate classification (germline): Likely benign (1 of 4 stars; one submission).

Allele frequency attached by ClinVar (database versions not stated): ExAC 0.00002; gnomAD exomes 0.00002; TOPMed 0.00002; ESP Exome Variant Server 0.00016.

Submission:

GeneDx
Classification: Likely benign. Last evaluated: 2016-11-16. Review status: criteria provided, single submitter. Criteria: GeneDx Variant Classification (06012015). Collection method: clinical testing. Allele origin: germline. Affected: yes.
Comment: This variant is considered likely benign or benign based on one or more of the following criteria: it is a conservative change, it occurs at a poorly conserved position in the protein, it is predicted to be benign by multiple in silico algorithms, and/or has population frequency not consistent with disease.

NM_001191061.2(SLC25A22):c.147-15del

Gene: SLC25A22 (solute carrier family 25 member 22; minus strand). Cytogenetic location: 11p15.5.
Variant type: Deletion.
Coding change: c.147-15del on transcript NM_001191061.2 (MANE Select); 15 bases into the intron before coding-DNA position 147, one base deleted (T; older notation c.147-15delT).
Molecular consequence: intron variant.
Genome position (GRCh38, 1-based): chr11:794,528, A deleted on the plus strand (T on the coding strand, the reverse complement: SLC25A22 is on the minus strand). VCF-style (leftmost placement, unchanged base first): chr11-794527-GA-G. GRCh37 (hg19) VCF-style: chr11-794527-GA-G.
Other names: c.147-15del (NM_001191060.2, NM_024698.6).
Identifiers: ClinVar variation 422709 (VCV000422709.1), dbSNP rs752991536, ClinGen allele CA5789352.